The following is an entry in ClinVar:

ClinVar aggregate classification (germline): Uncertain significance (1 of 4 stars; one submission).

Submission:

Labcorp Genetics (formerly Invitae), Labcorp
Classification: Uncertain significance. Last evaluated: 2025-08-15. Review status: criteria provided, single submitter. Criteria: Invitae Variant Classification Sherloc (09022015). Collection method: clinical testing. Allele origin: germline.
Comment: This sequence change replaces valine, which is neutral and non-polar, with isoleucine, which is neutral and non-polar, at codon 334 of the COL11A1 protein (p.Val334Ile). This variant is not present in population databases (gnomAD no frequency). This variant has not been reported in the literature in individuals affected with COL11A1-related conditions. Invitae Evidence Modeling of protein sequence and biophysical properties (such as structural, functional, and spatial information, amino acid conservation, physicochemical variation, residue mobility, and thermodynamic stability) indicates that this missense variant is not expected to disrupt COL11A1 protein function with a negative predictive value of 95%. In summary, the available evidence is currently insufficient to determine the role of this variant in disease. Therefore, it has been classified as a Variant of Uncertain Significance.

NM_001854.4(COL11A1):c.1000G>A (p.Val334Ile)

Gene: COL11A1 (collagen type XI alpha 1 chain; minus strand). Cytogenetic location: 1p21.1.
Variant type: single nucleotide variant.
Coding change: c.1000G>A on transcript NM_001854.4 (MANE Select); coding-DNA position 1000, G replaced by A.
Protein change: p.Val334Ile; replaces valine 334 with isoleucine.
Molecular consequence: missense variant. On other transcripts: non-coding transcript variant (1), intron variant (1).
Genome position (GRCh38, 1-based): chr1:103,022,987, C>T on the plus strand (G>A on the coding strand, the complement: COL11A1 is on the minus strand). VCF-style: chr1-103022987-C-T. GRCh37 (hg19) VCF-style: chr1-103488543-C-T.
Other names: c.883G>A, p.Val295Ile (NM_001190709.2); c.1036G>A, p.Val346Ile (NM_080629.3); c.898-1218G>A (NM_080630.4); short protein forms V295I, V334I, V346I.
Identifiers: ClinVar variation 4799909 (VCV004799909.1).